The following is an entry in ClinVar:

NM_003079.5(SMARCE1):c.395C>T (p.Ala132Val)

Gene: SMARCE1 (SWI/SNF related BAF chromatin remodeling complex subunit E1; minus strand). Cytogenetic location: 17q21.2.
Variant type: single nucleotide variant.
Coding change: c.395C>T on transcript NM_003079.5 (MANE Select); coding-DNA position 395, C replaced by T.
Protein change: p.Ala132Val; replaces alanine 132 with valine.
Molecular consequence: missense variant.
Genome position (GRCh38, 1-based): chr17:40,636,077, G>A on the plus strand (C>T on the coding strand, the complement: SMARCE1 is on the minus strand). VCF-style: chr17-40636077-G-A. GRCh37 (hg19) VCF-style: chr17-38792329-G-A.
Other names: short protein forms A132V.
Identifiers: ClinVar variation 2714756 (VCV002714756.3), dbSNP rs2508603789, ClinGen allele CA399366704.

ClinVar aggregate classification (germline): Uncertain significance (1 of 4 stars; one submission).

Conditions:
Familial meningioma. Also called: Meningioma, familial, susceptibility to. Identifiers: Orphanet 263662, MedGen C3551915, MONDO:0011789, OMIM 607174.

Submission:

Labcorp Genetics (formerly Invitae), Labcorp
Classification: Uncertain significance for Familial meningioma. Last evaluated: 2023-07-25. Review status: criteria provided, single submitter. Criteria: Invitae Variant Classification Sherloc (09022015). Collection method: clinical testing. Allele origin: germline.
Comment: In summary, the available evidence is currently insufficient to determine the role of this variant in disease. Therefore, it has been classified as a Variant of Uncertain Significance. Advanced modeling of protein sequence and biophysical properties (such as structural, functional, and spatial information, amino acid conservation, physicochemical variation, residue mobility, and thermodynamic stability) performed at Invitae indicates that this missense variant is not expected to disrupt SMARCE1 protein function. This variant has not been reported in the literature in individuals affected with SMARCE1-related conditions. This variant is not present in population databases (gnomAD no frequency). This sequence change replaces alanine, which is neutral and non-polar, with valine, which is neutral and non-polar, at codon 132 of the SMARCE1 protein (p.Ala132Val).